The following is an entry in ClinVar:

ClinVar aggregate classification (germline): Uncertain significance. Review status: criteria provided, multiple submitters, no conflicts (2 of 4 stars). 2 submissions from 2 submitters: Uncertain significance (2). Last evaluated 2025-07-12.

Conditions:
Inborn genetic diseases. Identifiers: MedGen C0950123, MeSH D030342.

Allele frequency attached by ClinVar (database versions not stated): TOPMed below 0.00001; gnomAD exomes 0.00001.
gnomAD v4.1: 6 of 1,613,540 alleles (0.00037%); highest among the groups gnomAD compares: Non-Finnish European, 0.00034%; no homozygotes.

Submissions (2):

Ambry Genetics
Classification: Uncertain significance for Inborn genetic diseases. Last evaluated: 2025-07-12. Review status: criteria provided, single submitter. Criteria: Ambry Variant Classification Scheme 2023. Collection method: clinical testing. Allele origin: germline.

Labcorp Genetics (formerly Invitae), Labcorp
Classification: Uncertain significance. Last evaluated: 2022-09-19. Review status: criteria provided, single submitter. Criteria: Invitae Variant Classification Sherloc (09022015). Collection method: clinical testing. Allele origin: germline.
Comment: This sequence change replaces methionine, which is neutral and non-polar, with valine, which is neutral and non-polar, at codon 740 of the OTOGL protein (p.Met740Val). This variant is not present in population databases (gnomAD no frequency). This variant has not been reported in the literature in individuals affected with OTOGL-related conditions. ClinVar contains an entry for this variant (Variation ID: 1514617). Algorithms developed to predict the effect of missense changes on protein structure and function (SIFT, PolyPhen-2, Align-GVGD) all suggest that this variant is likely to be tolerated. In summary, the available evidence is currently insufficient to determine the role of this variant in disease. Therefore, it has been classified as a Variant of Uncertain Significance.

NM_001378609.3(OTOGL):c.2245A>G (p.Met749Val)

Gene: OTOGL (otogelin like; plus strand). Cytogenetic location: 12q21.31.
Variant type: single nucleotide variant.
Coding change: c.2245A>G on transcript NM_001378609.3 (MANE Select); coding-DNA position 2245, A replaced by G.
Protein change: p.Met749Val; replaces methionine 749 with valine.
Molecular consequence: missense variant.
Genome position (GRCh38, 1-based): chr12:80,266,471, A>G. VCF-style: chr12-80266471-A-G. GRCh37 (hg19) VCF-style: chr12-80660251-A-G.
Other names: c.2245A>G, p.Met749Val (NM_001368062.3, NM_001378610.3, NM_173591.7); c.2218A>G (NM_173591.3); short protein forms M749V.
Identifiers: ClinVar variation 1514617 (VCV001514617.9), dbSNP rs1882969582, ClinGen allele CA385856115.